The following is an entry in ClinVar:

NM_001844.5(COL2A1):c.709-8G>T

Gene: COL2A1 (collagen type II alpha 1 chain; minus strand). Cytogenetic location: 12q13.11.
Variant type: single nucleotide variant.
Coding change: c.709-8G>T on transcript NM_001844.5 (MANE Select); 8 bases into the intron before coding-DNA position 709, G replaced by T.
Molecular consequence: intron variant.
Genome position (GRCh38, 1-based): chr12:47,995,316, C>A on the plus strand (G>T on the coding strand, the complement: COL2A1 is on the minus strand). VCF-style: chr12-47995316-C-A. GRCh37 (hg19) VCF-style: chr12-48389099-C-A.
Other names: c.502-8G>T (NM_033150.3).
Identifiers: ClinVar variation 308932 (VCV000308932.28), dbSNP rs200757693, ClinGen allele CA6535821.

ClinVar aggregate classification (germline): Benign/Likely benign. Review status: criteria provided, multiple submitters, no conflicts (2 of 4 stars). 7 submissions from 6 submitters: Benign (3); Likely benign (4). Last evaluated 2026-01-18.

Conditions:
Stickler syndrome type 1 (STL1). Also called: COL2A1-Related Stickler Syndrome; ARTHROOPHTHALMOPATHY, HEREDITARY PROGRESSIVE; STICKLER SYNDROME, MEMBRANOUS VITREOUS TYPE; STICKLER SYNDROME, VITREOUS TYPE 1. Identifiers: Orphanet 828, Orphanet 90653, MedGen C2020284, MONDO:0007160, OMIM 108300.
Type 2 collagenopathy. Identifiers: Orphanet 93421, MedGen C2931073, MONDO:0022800.

Allele frequency attached by ClinVar (database versions not stated): gnomAD exomes 0.00024; ExAC 0.00031; 1000 Genomes Project 30x 0.00062; 1000 Genomes Project 0.00080; gnomAD 0.00097 and 0.00105; ESP Exome Variant Server 0.00123; TOPMed 0.00124.
gnomAD v4.1: 300 of 1,612,470 alleles (0.019%); highest among the groups gnomAD compares: African/African-American, 0.34%; no homozygotes.

Submissions (7):

Labcorp Genetics (formerly Invitae), Labcorp
Classification: Benign. Last evaluated: 2026-01-18. Review status: criteria provided, single submitter. Criteria: Invitae Variant Classification Sherloc (09022015). Collection method: clinical testing. Allele origin: germline.

ARUP Laboratories, Molecular Genetics and Genomics, ARUP Laboratories
Classification: Benign. Last evaluated: 2025-06-20. Review status: criteria provided, single submitter. Criteria: ARUP Molecular Germline Variant Investigation Process 2024. Collection method: clinical testing. Allele origin: germline.

Blueprint Genetics
Classification: Likely benign. Last evaluated: 2024-10-21. Review status: criteria provided, single submitter. Criteria: ACMG Guidelines, 2015. Collection method: clinical testing. Allele origin: germline.

GeneDx
Classification: Likely benign. Last evaluated: 2020-10-05. Review status: criteria provided, single submitter. Criteria: GeneDx Variant Classification Process June 2021. Collection method: clinical testing. Allele origin: germline. Affected: yes.

Illumina Laboratory Services, Illumina
Classification: Likely benign for Stickler syndrome type 1. Last evaluated: 2018-01-13. Review status: criteria provided, single submitter. Criteria: ICSL Variant Classification Criteria 13 December 2019. Collection method: clinical testing. Allele origin: germline.
Comment: This variant was observed in the ICSL laboratory as part of a predisposition screen in an ostensibly healthy population. It had not been previously curated by ICSL or reported in the Human Gene Mutation Database (HGMD: prior to June 1st, 2018), and was therefore a candidate for classification through an automated scoring system. Utilizing variant allele frequency, disease prevalence and penetrance estimates, and inheritance mode, an automated score was calculated to assess if this variant is too frequent to cause the disease. Based on the score and internal cut-off values, a variant classified as likely benign is not then subjected to further curation. The score for this variant resulted in a classification of likely benign for this disease.

Illumina Laboratory Services, Illumina
Classification: Benign for Type II Collagenopathies. Last evaluated: 2018-01-13. Review status: criteria provided, single submitter. Criteria: ICSL Variant Classification Criteria 13 December 2019. Collection method: clinical testing. Allele origin: germline.
Comment: This variant was observed in the ICSL laboratory as part of a predisposition screen in an ostensibly healthy population. It had not been previously curated by ICSL or reported in the Human Gene Mutation Database (HGMD: prior to June 1st, 2018), and was therefore a candidate for classification through an automated scoring system. Utilizing variant allele frequency, disease prevalence and penetrance estimates, and inheritance mode, an automated score was calculated to assess if this variant is too frequent to cause the disease. Based on the score and internal cut-off values, a variant classified as benign is not then subjected to further curation. The score for this variant resulted in a classification of benign for this disease.

Eurofins Ntd Llc (ga)
Classification: Likely benign. Last evaluated: 2017-07-28. Review status: criteria provided, single submitter. Criteria: EGL Classification Definitions 2015. Collection method: clinical testing. Allele origin: germline. Observed: 1 variant allele, 1 heterozygote.